The following is an entry in ClinVar:

NM_020638.3(FGF23):c.196C>T (p.His66Tyr)

Gene: FGF23 (fibroblast growth factor 23; minus strand). Cytogenetic location: 12p13.32.
Variant type: single nucleotide variant.
Coding change: c.196C>T on transcript NM_020638.3 (MANE Select); coding-DNA position 196, C replaced by T.
Protein change: p.His66Tyr; replaces histidine 66 with tyrosine.
Molecular consequence: missense variant.
Genome position (GRCh38, 1-based): chr12:4,379,387, G>A on the plus strand (C>T on the coding strand, the complement: FGF23 is on the minus strand). VCF-style: chr12-4379387-G-A. GRCh37 (hg19) VCF-style: chr12-4488553-G-A.
Other names: short protein forms H66Y.
Identifiers: ClinVar variation 3688603 (VCV003688603.2).

ClinVar aggregate classification (germline): Uncertain significance (1 of 4 stars; one submission).

Submission:

Labcorp Genetics (formerly Invitae), Labcorp
Classification: Uncertain significance. Last evaluated: 2024-11-16. Review status: criteria provided, single submitter. Criteria: Invitae Variant Classification Sherloc (09022015). Collection method: clinical testing. Allele origin: germline.
Comment: This sequence change replaces histidine, which is basic and polar, with tyrosine, which is neutral and polar, at codon 66 of the FGF23 protein (p.His66Tyr). This variant is present in population databases (rs373968743, gnomAD 0.0009%). This variant has not been reported in the literature in individuals affected with FGF23-related conditions. An algorithm developed to predict the effect of missense changes on protein structure and function outputs the following: PolyPhen-2: "Benign". The tyrosine amino acid residue is found in multiple mammalian species, which suggests that this missense change does not adversely affect protein function. In summary, the available evidence is currently insufficient to determine the role of this variant in disease. Therefore, it has been classified as a Variant of Uncertain Significance.